The following is an entry in ClinVar:

ClinVar aggregate classification (germline): Benign/Likely benign. Review status: criteria provided, multiple submitters, no conflicts (2 of 4 stars). 4 submissions from 4 submitters: Benign (1); Likely benign (2). 1 of the submissions does not count toward it. Last evaluated 2025-10-09.

Conditions:
Familial cancer of breast. Also called: hereditary breast carcinoma; BREAST CANCER, FAMILIAL; Hereditary breast cancer. Identifiers: Orphanet 227535, MedGen C0346153, MONDO:0016419, OMIM 114480. Disease mechanism: loss of function.
Ataxia-telangiectasia syndrome (AT). Also called: AT, COMPLEMENTATION GROUP C; LOUIS-BAR SYNDROME; Ataxia telangiectasia (A-T); Cerebello-oculocutaneous telangiectasia; Immunodeficiency with ataxia telangiectasia; Ataxia-telangiectasia, complementation group D. Identifiers: Orphanet 100, MedGen C0004135, MONDO:0008840, OMIM 208900.
Hereditary cancer-predisposing syndrome. Also called: Hereditary neoplastic syndrome; Neoplastic Syndromes, Hereditary; Tumor predisposition; Hereditary Cancer Syndrome. Identifiers: Orphanet 140162, MedGen C0027672, MeSH D009386, MONDO:0015356.

Submissions (4):

Labcorp Genetics (formerly Invitae), Labcorp
Classification: Likely benign for Ataxia-telangiectasia syndrome. Last evaluated: 2025-10-09. Review status: criteria provided, single submitter. Criteria: Invitae Variant Classification Sherloc (09022015). Collection method: clinical testing. Allele origin: germline.

Myriad Genetics, Inc.
Classification: Benign for Familial cancer of breast. Last evaluated: 2024-04-29. Review status: criteria provided, single submitter. Criteria: Myriad Autosomal Dominant, Autosomal Recessive and X-Linked Classification Criteria (2023). Collection method: clinical testing. Allele origin: unknown.
Comment: This variant is considered benign. This variant is a silent/synonymous amino acid change and it is not expected to impact splicing.

Ambry Genetics
Classification: Likely benign for Hereditary cancer-predisposing syndrome. Last evaluated: 2018-12-29. Review status: criteria provided, single submitter. Criteria: Ambry Variant Classification Scheme 2023. Collection method: clinical testing. Allele origin: germline.

Natera, Inc.
Classification: Uncertain significance for Ataxia-telangiectasia. Last evaluated: 2025-04-11. Review status: no assertion criteria provided. Collection method: clinical testing. Allele origin: germline. Not counted in ClinVar's aggregate classification.

NM_000051.4(ATM):c.1560C>T (p.Asp520=)

Gene: ATM (ATM serine/threonine kinase; plus strand). Cytogenetic location: 11q22.3.
Variant type: single nucleotide variant.
Coding change: c.1560C>T on transcript NM_000051.4 (MANE Select); coding-DNA position 1560, C replaced by T.
Protein change: p.Asp520=; no amino-acid change (aspartic acid 520 retained).
Molecular consequence: synonymous variant.
Genome position (GRCh38, 1-based): chr11:108,251,025, C>T. VCF-style: chr11-108251025-C-T. GRCh37 (hg19) VCF-style: chr11-108121752-C-T.
Other names: c.1560C>T, p.Asp520= (NM_001351834.2).
Identifiers: ClinVar variation 741748 (VCV000741748.16), dbSNP rs1591524777, ClinGen allele CA476744901.